The following is an entry in ClinVar:

ClinVar aggregate classification (germline): Uncertain significance (1 of 4 stars; one submission).

Conditions:
Mitochondrial complex II deficiency, nuclear type 1. Also called: SUCCINATE CoQ REDUCTASE DEFICIENCY. Identifiers: Orphanet 3208, MedGen C5700310, MONDO:0100294, OMIM 252011.
Pheochromocytoma/paraganglioma syndrome 5. Also called: Paragangliomas 5; SDHA-Related Hereditary Paraganglioma-Pheochromocytoma Syndrome. Identifiers: Orphanet 29072, MedGen C3279992, MONDO:0013602, OMIM 614165.

Submission:

Labcorp Genetics (formerly Invitae), Labcorp
Classification: Uncertain significance for Pheochromocytoma/paraganglioma syndrome 5; Mitochondrial complex II deficiency, nuclear type 1. Last evaluated: 2019-10-17. Review status: criteria provided, single submitter. Criteria: Invitae Variant Classification Sherloc (09022015). Collection method: clinical testing. Allele origin: germline.
Comment: In summary, the available evidence is currently insufficient to determine the role of this variant in disease. Therefore, it has been classified as a Variant of Uncertain Significance. Algorithms developed to predict the effect of missense changes on protein structure and function are either unavailable or do not agree on the potential impact of this missense change (SIFT: "Deleterious"; PolyPhen-2: "Benign"; Align-GVGD: "Class C0"). This variant has not been reported in the literature in individuals with SDHA-related conditions. This variant is not present in population databases (ExAC no frequency). This sequence change replaces cysteine with tyrosine at codon 536 of the SDHA protein (p.Cys536Tyr). The cysteine residue is moderately conserved and there is a large physicochemical difference between cysteine and tyrosine.

NM_004168.4(SDHA):c.1607G>A (p.Cys536Tyr)

Gene: SDHA (succinate dehydrogenase complex flavoprotein subunit A; plus strand). Cytogenetic location: 5p15.33.
Variant type: single nucleotide variant.
Coding change: c.1607G>A on transcript NM_004168.4 (MANE Select); coding-DNA position 1607, G replaced by A.
Protein change: p.Cys536Tyr; replaces cysteine 536 with tyrosine.
Molecular consequence: missense variant. On other transcripts: intron variant (1).
Genome position (GRCh38, 1-based): chr5:251,047, G>A. VCF-style: chr5-251047-G-A. GRCh37 (hg19) VCF-style: chr5-251162-G-A.
Other names: c.1463G>A, p.Cys488Tyr (NM_001294332.2); c.1552-3346G>A (NM_001330758.2); short protein forms C536Y, C488Y.
Identifiers: ClinVar variation 967959 (VCV000967959.10), dbSNP rs1736789855, ClinGen allele CA358998552.